The following is an entry in ClinVar:

ClinVar aggregate classification (germline): Uncertain significance (1 of 4 stars; one submission).

Conditions:
Retinitis pigmentosa 12 (RP12). Also called: RP WITH OR WITHOUT PRESERVED PARAARTERIOLE RETINAL PIGMENT EPITHELIUM; RETINITIS PIGMENTOSA WITH OR WITHOUT PARAARTERIOLAR PRESERVATION OF RETINAL PIGMENT EPITHELIUM; RP WITH OR WITHOUT PPRPE. Identifiers: Orphanet 791, MedGen C1838647, MONDO:0010818, OMIM 600105.
Leber congenital amaurosis 8 (LCA8). Identifiers: Orphanet 65, MedGen C3151202, MONDO:0013453, OMIM 613835.

Submission:

Labcorp Genetics (formerly Invitae), Labcorp
Classification: Uncertain significance for Leber congenital amaurosis 8; Retinitis pigmentosa 12. Last evaluated: 2021-08-13. Review status: criteria provided, single submitter. Criteria: Invitae Variant Classification Sherloc (09022015). Collection method: clinical testing. Allele origin: germline.
Comment: This sequence change replaces serine with isoleucine at codon 1070 of the CRB1 protein (p.Ser1070Ile). The serine residue is highly conserved and there is a large physicochemical difference between serine and isoleucine. This variant is not present in population databases (ExAC no frequency). This missense change has been observed in individual(s) with clinical features of CRB1-related conditions (Invitae). Algorithms developed to predict the effect of missense changes on protein structure and function (SIFT, PolyPhen-2, Align-GVGD) all suggest that this variant is likely to be disruptive. In summary, the available evidence is currently insufficient to determine the role of this variant in disease. Therefore, it has been classified as a Variant of Uncertain Significance.

NM_201253.3(CRB1):c.3209G>T (p.Ser1070Ile)

Gene: CRB1 (crumbs cell polarity complex component 1; plus strand). Cytogenetic location: 1q31.3.
Variant type: single nucleotide variant.
Coding change: c.3209G>T on transcript NM_201253.3 (MANE Select); coding-DNA position 3209, G replaced by T.
Protein change: p.Ser1070Ile; replaces serine 1070 with isoleucine.
Molecular consequence: missense variant. On other transcripts: non-coding transcript variant (2), intron variant (1).
Genome position (GRCh38, 1-based): chr1:197,435,072, G>T. VCF-style: chr1-197435072-G-T. GRCh37 (hg19) VCF-style: chr1-197404202-G-T.
Other names: c.2873G>T, p.Ser958Ile (NM_001193640.2); c.3137G>T, p.Ser1046Ile (NM_001257965.2); c.2129-528G>T (NM_001257966.2); short protein forms S1046I, S1070I, S958I.
Identifiers: ClinVar variation 1009773 (VCV001009773.6), dbSNP rs1665074618, ClinGen allele CA344046609.